The following is an entry in ClinVar:

ClinVar aggregate classification (germline): Uncertain significance (1 of 4 stars; one submission).

Submission:

Labcorp Genetics (formerly Invitae), Labcorp
Classification: Uncertain significance. Last evaluated: 2025-12-02. Review status: criteria provided, single submitter. Criteria: Invitae Variant Classification Sherloc (09022015). Collection method: clinical testing. Allele origin: germline.
Comment: This sequence change replaces glycine, which is neutral and non-polar, with serine, which is neutral and polar, at codon 332 of the EIF2AK1 protein (p.Gly332Ser). This variant is not present in population databases (gnomAD no frequency). This variant has not been reported in the literature in individuals affected with EIF2AK1-related conditions. An algorithm developed to predict the effect of missense changes on protein structure and function (PolyPhen-2) suggests that this variant is likely to be tolerated. In summary, the available evidence is currently insufficient to determine the role of this variant in disease. Therefore, it has been classified as a Variant of Uncertain Significance.

NM_014413.4(EIF2AK1):c.994G>A (p.Gly332Ser)

Gene: EIF2AK1 (eukaryotic translation initiation factor 2 alpha kinase 1; minus strand). Cytogenetic location: 7p22.1.
Variant type: single nucleotide variant.
Coding change: c.994G>A on transcript NM_014413.4 (MANE Select); coding-DNA position 994, G replaced by A.
Protein change: p.Gly332Ser; replaces glycine 332 with serine.
Molecular consequence: missense variant.
Genome position (GRCh38, 1-based): chr7:6,041,017, C>T on the plus strand (G>A on the coding strand, the complement: EIF2AK1 is on the minus strand). VCF-style: chr7-6041017-C-T. GRCh37 (hg19) VCF-style: chr7-6080648-C-T.
Other names: c.991G>A, p.Gly331Ser (NM_001134335.2); short protein forms G331S, G332S.
Identifiers: ClinVar variation 4797167 (VCV004797167.1).
Genomic context (GRCh38, chr7:6,041,017, plus strand): 5'-CTAGGTGGGAATTACGCCTGAGTGGCAGCTGCTGTTCCACAATTGAACTGGCAGACAAAC[C>T]AGCCAAGCCATTTTCCTGGAGCTCCAGGGTCGACTCAAGTTCACCAGATTCTCTTATGAC-3'
Protein context (NP_055228.2, residues 322-342): TLELQENGLA[Gly332Ser]LSASSIVEQQ